The following is an entry in ClinVar:

NM_001267550.2(TTN):c.11699del (p.Lys3900fs)

Gene: TTN (titin; minus strand). Cytogenetic location: 2q31.2.
Variant type: Deletion.
Coding change: c.11699del on transcript NM_001267550.2 (MANE Select); coding-DNA position 11699, one base deleted (A; older notation c.11699delA).
Protein change: p.Lys3900fs; shifts the reading frame from lysine 3900.
Molecular consequence: frameshift variant. On other transcripts: intron variant (1).
Genome position (GRCh38, 1-based): chr2:178,741,534, T deleted on the plus strand (A on the coding strand, the reverse complement: TTN is on the minus strand); the first of 3 consecutive T bases (chr2:178,741,534-178,741,536); deleting any one gives the same sequence. VCF-style (leftmost placement, unchanged base first): chr2-178741533-CT-C. GRCh37 (hg19) VCF-style: chr2-179606260-CT-C.
Other names: c.10610delA (NM_003319.4); c.10748del, p.Lys3583fs (NM_001256850.1); c.10610del, p.Lys3537fs (NM_003319.4); c.10985del, p.Lys3662fs (NM_133432.3); c.11186del, p.Lys3729fs (NM_133437.4); c.10361-3174del (NM_133378.4); short protein forms K3537fs, K3729fs, K3583fs, K3662fs, K3900fs.
Identifiers: ClinVar variation 4193698 (VCV004193698.2).

ClinVar aggregate classification (germline): Likely pathogenic. Review status: criteria provided, multiple submitters, no conflicts (2 of 4 stars). 2 submissions from 2 submitters: Likely pathogenic (2). Last evaluated 2025-06-24.

Conditions:
Autosomal recessive limb-girdle muscular dystrophy type 2J (LGMDR10). Also called: Limb-girdle muscular dystrophy, type 2J; MUSCULAR DYSTROPHY, LIMB-GIRDLE, AUTOSOMAL RECESSIVE 10. Identifiers: Orphanet 140922, MedGen C1837342, MONDO:0012127, OMIM 608807.
Dilated cardiomyopathy 1G (CMD1G). Identifiers: Orphanet 154, MedGen C1858763, MONDO:0011400, OMIM 604145.
Cardiovascular phenotype. Identifiers: MedGen CN230736.

Submissions (2):

Ambry Genetics
Classification: Likely pathogenic for Cardiovascular phenotype. Last evaluated: 2025-06-24. Review status: criteria provided, single submitter. Criteria: Ambry Variant Classification Scheme 2023. Collection method: clinical testing. Allele origin: germline.
Comment: The c.10610delA variant, located in coding exon 44 of the TTN gene, results from a deletion of one nucleotide at nucleotide position 10610, causing a translational frameshift with a predicted alternate stop codon (p.K3537Rfs*8). This exon is located in the I-band region of the N2-B isoform of the titin protein and is constitutively expressed in TTN transcripts (percent spliced in or PSI 100%). This variant is considered to be rare based on population cohorts in the Genome Aggregation Database (gnomAD). This variant is expected to result in loss of function by premature protein truncation or nonsense-mediated mRNA decay. While truncating variants in TTN are present in 1-3% of the general population, truncating variants in the A-band are the most common cause of dilated cardiomyopathy (Herman DS et al. N. Engl. J. Med., 2012 Feb;366:619-28; Roberts AM et al. Sci Transl Med, 2015 Jan;7:270ra6). TTN truncating variants encoded in constitutive exons (PSI >90%) have been found to be significantly associated with DCM regardless of their position in titin (Schafer S et al. Nat. Genet., 2017 01;49:46-53; Akhtar MM et al. Circ Heart Fail, 2020 Oct;13:e006832; Massier M et al. Clin Genet, 2025 Jan). Based on the majority of available evidence to date, this variant is likely to be pathogenic.

Labcorp Genetics (formerly Invitae), Labcorp
Classification: Likely pathogenic for Dilated cardiomyopathy 1G; Autosomal recessive limb-girdle muscular dystrophy type 2J. Last evaluated: 2025-02-18. Review status: criteria provided, single submitter. Criteria: Invitae Variant Classification Sherloc (09022015). Collection method: clinical testing. Allele origin: germline.
Comment: This sequence change creates a premature translational stop signal (p.Lys3900Argfs*8) in the TTN gene. While this is not anticipated to result in nonsense mediated decay, it is expected to create a truncated TTN protein. This variant is not present in population databases (gnomAD no frequency). This variant has not been reported in the literature in individuals affected with TTN-related conditions. This variant is located in the I band of TTN (PMID: 25589632). Truncating variants in this region have been reported in individuals affected with autosomal recessive centronuclear myopathy (PMID: 23975875, internal data). Truncating variants in this region have also been identified in individuals affected with autosomal dominant dilated cardiomyopathy and/or cardio-related conditions (PMID: 27869827, 32964742, internal data). In summary, the currently available evidence indicates that the variant is pathogenic, but additional data are needed to prove that conclusively. Therefore, this variant has been classified as Likely Pathogenic.

Literature cited by the submitters: PubMed 25589632 (cited by Labcorp Genetics (formerly Invitae), Labcorp); PubMed 23975875 (cited by Labcorp Genetics (formerly Invitae), Labcorp); PubMed 27869827 (cited by Labcorp Genetics (formerly Invitae), Labcorp); PubMed 32964742 (cited by Labcorp Genetics (formerly Invitae), Labcorp).